The following is an entry in ClinVar:

ClinVar aggregate classification (germline): Likely benign. Review status: criteria provided, multiple submitters, no conflicts (2 of 4 stars). 2 submissions from 2 submitters: Likely benign (2). Last evaluated 2023-05-17.

Conditions:
Pyruvate dehydrogenase E1-alpha deficiency (PDHAD). Also called: ATAXIA, INTERMITTENT, WITH PYRUVATE DEHYDROGENASE DEFICIENCY; ATAXIA WITH LACTIC ACIDOSIS I; ATAXIA, INTERMITTENT, WITH ABNORMAL PYRUVATE METABOLISM; Ataxia, intermittent, with pyruvate dehydrogenase, or decarboxylase, deficiency. Identifiers: Orphanet 79243, MedGen C1839413, MONDO:0010717, OMIM 312170.

Allele frequency attached by ClinVar (database versions not stated): gnomAD exomes below 0.00001.

Submissions (2):

Labcorp Genetics (formerly Invitae), Labcorp
Classification: Likely benign for Pyruvate dehydrogenase E1-alpha deficiency. Last evaluated: 2023-05-17. Review status: criteria provided, single submitter. Criteria: Invitae Variant Classification Sherloc (09022015). Collection method: clinical testing. Allele origin: germline.

GeneDx
Classification: Likely benign. Last evaluated: 2015-12-15. Review status: criteria provided, single submitter. Criteria: GeneDx Variant Classification (06012015). Collection method: clinical testing. Allele origin: germline. Affected: yes.
Comment: This variant is considered likely benign or benign based on one or more of the following criteria: it is a conservative change, it occurs at a poorly conserved position in the protein, it is predicted to be benign by multiple in silico algorithms, and/or has population frequency not consistent with disease.

NM_000284.4(PDHA1):c.861C>T (p.Tyr287=)

Gene: PDHA1 (pyruvate dehydrogenase E1 subunit alpha 1; plus strand). Cytogenetic location: Xp22.12.
Variant type: single nucleotide variant.
Coding change: c.861C>T on transcript NM_000284.4 (MANE Select); coding-DNA position 861, C replaced by T.
Protein change: p.Tyr287=; no amino-acid change (tyrosine 287 retained).
Molecular consequence: synonymous variant.
Genome position (GRCh38, 1-based): chrX:19,357,681, C>T. VCF-style: chrX-19357681-C-T. GRCh37 (hg19) VCF-style: chrX-19375799-C-T.
Other names: c.975C>T, p.Tyr325= (NM_001173454.2); c.882C>T, p.Tyr294= (NM_001173455.2); c.768C>T, p.Tyr256= (NM_001173456.2).
Identifiers: ClinVar variation 381820 (VCV000381820.5), dbSNP rs1057521179, ClinGen allele CA16608806.